The following is an entry in ClinVar:

ClinVar aggregate classification (germline): Benign. Review status: criteria provided, single submitter (1 of 4 stars). 2 submissions from 2 submitters: Benign (1). 1 of the submissions does not count toward it. Last evaluated 2025-03-26.

Conditions:
DIP2C-related disorder. Also called: DIP2C-related condition.

Allele frequency attached by ClinVar (database versions not stated): gnomAD 0.00006 and 0.00020; TOPMed 0.00009; gnomAD exomes 0.00028 and 0.00061; ExAC 0.00067; 1000 Genomes Project 0.00180; 1000 Genomes Project 30x 0.00187.
gnomAD v4.1: 441 of 1,612,474 alleles (0.027%); highest among the groups gnomAD compares: South Asian, 0.42%; 2 homozygotes.

Submissions (2):

Labcorp Genetics (formerly Invitae), Labcorp
Classification: Benign. Last evaluated: 2025-03-26. Review status: criteria provided, single submitter. Criteria: Invitae Variant Classification Sherloc (09022015). Collection method: clinical testing. Allele origin: germline.

PreventionGenetics, part of Exact Sciences
Classification: Likely benign for DIP2C-related condition. Last evaluated: 2019-02-21. Review status: no assertion criteria provided. Collection method: clinical testing. Allele origin: germline. Not counted in ClinVar's aggregate classification.
Comment: This variant is classified as likely benign based on ACMG/AMP sequence variant interpretation guidelines (Richards et al. 2015 PMID: 25741868, with internal and published modifications).

NM_014974.3(DIP2C):c.2508C>T (p.His836=)

Gene: DIP2C (DIP2 acetate--CoA ligase C (putative); minus strand). Cytogenetic location: 10p15.3.
Variant type: single nucleotide variant.
Coding change: c.2508C>T on transcript NM_014974.3 (MANE Select); coding-DNA position 2508, C replaced by T.
Protein change: p.His836=; no amino-acid change (histidine 836 retained).
Molecular consequence: synonymous variant.
Genome position (GRCh38, 1-based): chr10:363,281, G>A on the plus strand (C>T on the coding strand, the complement: DIP2C is on the minus strand). VCF-style: chr10-363281-G-A. GRCh37 (hg19) VCF-style: chr10-409221-G-A.
Other names: c.2508C>T (NM_014974.2).
Identifiers: ClinVar variation 1555107 (VCV001555107.10), dbSNP rs200354695, ClinGen allele CA5380391.